The following is an entry in ClinVar:

NM_030665.4(RAI1):c.239G>A (p.Arg80Gln)

Gene: RAI1 (retinoic acid induced 1; plus strand). Cytogenetic location: 17p11.2.
Variant type: single nucleotide variant.
Coding change: c.239G>A on transcript NM_030665.4 (MANE Select); coding-DNA position 239, G replaced by A.
Protein change: p.Arg80Gln; replaces arginine 80 with glutamine.
Molecular consequence: missense variant.
Genome position (GRCh38, 1-based): chr17:17,793,187, G>A. VCF-style: chr17-17793187-G-A. GRCh37 (hg19) VCF-style: chr17-17696501-G-A.
Other names: c.239G>A (NM_030665.3); short protein forms R80Q.
Identifiers: ClinVar variation 1342605 (VCV001342605.15), dbSNP rs372896387, ClinGen allele CA8418083.

ClinVar aggregate classification (germline): Conflicting classifications of pathogenicity. Review status: criteria provided, conflicting classifications (1 of 4 stars). 5 submissions from 5 submitters: Uncertain significance (1); Benign (1); Likely benign (2). 1 of the submissions does not count toward it. Last evaluated 2026-01-01.

Conditions:
RAI1-related disorder. Also called: RAI1-related condition.
Inborn genetic diseases. Identifiers: MedGen C0950123, MeSH D030342.
Smith-Magenis syndrome (SMS). Also called: CHROMOSOME 17p11.2 DELETION SYNDROME. Identifiers: Orphanet 819, MedGen C0795864, MONDO:0008434, OMIM 182290.

Allele frequency attached by ClinVar (database versions not stated): gnomAD 0.00002 and 0.00003; TOPMed 0.00004; gnomAD exomes 0.00006; ESP Exome Variant Server 0.00008; ExAC 0.00011.
gnomAD v4.1: 103 of 1,612,806 alleles (0.0064%); highest among the groups gnomAD compares: Non-Finnish European, 0.0079%; no homozygotes.

Submissions (5):

CeGaT Center for Human Genetics Tuebingen
Classification: Likely benign. Last evaluated: 2026-01-01. Review status: criteria provided, single submitter. Criteria: CeGaT Center For Human Genetics Tuebingen Variant Classification Criteria Version 2. Collection method: clinical testing. Allele origin: germline. Affected: yes. Observed: 1 variant allele.
Comment: RAI1: BS2

Labcorp Genetics (formerly Invitae), Labcorp
Classification: Likely benign. Last evaluated: 2025-03-25. Review status: criteria provided, single submitter. Criteria: Invitae Variant Classification Sherloc (09022015). Collection method: clinical testing. Allele origin: germline.

New York Genome Center
Classification: Uncertain significance for Smith-Magenis syndrome. Last evaluated: 2021-05-18. Review status: criteria provided, single submitter. Criteria: NYGC Assertion Criteria 2020. Collection method: clinical testing. Allele origin: inherited. Observed: 1 heterozygote. Study: CSER-NYCKidSeq.

Ambry Genetics
Classification: Benign for Inborn genetic diseases. Last evaluated: 2019-06-11. Review status: criteria provided, single submitter. Criteria: Ambry Variant Classification Scheme 2023. Collection method: clinical testing. Allele origin: germline.

PreventionGenetics, part of Exact Sciences
Classification: Likely benign for RAI1-related condition. Last evaluated: 2022-12-09. Review status: no assertion criteria provided. Collection method: clinical testing. Allele origin: germline. Not counted in ClinVar's aggregate classification.
Comment: This variant is classified as likely benign based on ACMG/AMP sequence variant interpretation guidelines (Richards et al. 2015 PMID: 25741868, with internal and published modifications).